The following is an entry in ClinVar:

ClinVar aggregate classification (germline): Uncertain significance. Review status: criteria provided, multiple submitters, no conflicts (2 of 4 stars). 3 submissions from 3 submitters: Uncertain significance (3). Last evaluated 2025-03-11.

Conditions:
Anophthalmia-microphthalmia syndrome. Also called: Anophthalmia/Microphthalmia; Anophthalmia - microphthalmia. Identifiers: Orphanet 98555, MedGen C5680330, MONDO:0020147.

Allele frequency attached by ClinVar (database versions not stated): gnomAD exomes 0.00001.
gnomAD v4.1: 8 of 1,614,032 alleles (0.0005%); highest among the groups gnomAD compares: Non-Finnish European, 0.00068%; no homozygotes.

Submissions (3):

Labcorp Genetics (formerly Invitae), Labcorp
Classification: Uncertain significance for Anophthalmia-microphthalmia syndrome. Last evaluated: 2025-03-11. Review status: criteria provided, single submitter. Criteria: Invitae Variant Classification Sherloc (09022015). Collection method: clinical testing. Allele origin: germline.
Comment: This sequence change replaces arginine, which is basic and polar, with histidine, which is basic and polar, at codon 94 of the OTX2 protein (p.Arg94His). This variant is not present in population databases (gnomAD no frequency). This variant has not been reported in the literature in individuals affected with OTX2-related conditions. ClinVar contains an entry for this variant (Variation ID: 2888998). An algorithm developed to predict the effect of missense changes on protein structure and function (PolyPhen-2) suggests that this variant is likely to be disruptive. In summary, the available evidence is currently insufficient to determine the role of this variant in disease. Therefore, it has been classified as a Variant of Uncertain Significance.

GeneDx
Classification: Uncertain significance. Last evaluated: 2023-05-23. Review status: criteria provided, single submitter. Criteria: GeneDx Variant Classification Process June 2021. Collection method: clinical testing. Allele origin: germline. Affected: yes.
Comment: Not observed at significant frequency in large population cohorts (gnomAD); In silico analysis supports that this missense variant has a deleterious effect on protein structure/function; Has not been previously published as pathogenic or benign to our knowledge

Blueprint Genetics
Classification: Uncertain significance. Last evaluated: 2021-04-01. Review status: criteria provided, single submitter. Criteria: ACMG Guidelines, 2015. Collection method: clinical testing. Allele origin: germline.

NM_021728.4(OTX2):c.305G>A (p.Arg102His)

Gene: OTX2 (orthodenticle homeobox 2; minus strand). Cytogenetic location: 14q22.3.
Variant type: single nucleotide variant.
Coding change: c.305G>A on transcript NM_021728.4 (MANE Select); coding-DNA position 305, G replaced by A.
Protein change: p.Arg102His; replaces arginine 102 with histidine.
Molecular consequence: missense variant. On other transcripts: non-coding transcript variant (2).
Genome position (GRCh38, 1-based): chr14:56,802,324, C>T on the plus strand (G>A on the coding strand, the complement: OTX2 is on the minus strand). VCF-style: chr14-56802324-C-T. GRCh37 (hg19) VCF-style: chr14-57269042-C-T.
Other names: c.305G>A (NM_021728.2); c.281G>A, p.Arg94His (NM_001270523.2, NM_001270524.2, NM_172337.3); c.305G>A, p.Arg102His (NM_001270525.2); short protein forms R102H, R94H.
Identifiers: ClinVar variation 2888998 (VCV002888998.5), dbSNP rs990697953, ClinGen allele CA390052144.